The following is an entry in ClinVar:

ClinVar aggregate classification (germline): Pathogenic (1 of 4 stars; one submission).

Conditions:
Oligodontia-cancer predisposition syndrome. Also called: TOOTH AGENESIS-COLORECTAL CANCER SYNDROME. Identifiers: Orphanet 300576, MedGen C1837750, MONDO:0012075, OMIM 608615. Disease mechanism: loss of function.

Submission:

Labcorp Genetics (formerly Invitae), Labcorp
Classification: Pathogenic for Oligodontia-cancer predisposition syndrome. Last evaluated: 2025-05-27. Review status: criteria provided, single submitter. Criteria: Invitae Variant Classification Sherloc (09022015). Collection method: clinical testing. Allele origin: germline.
Comment: This sequence change creates a premature translational stop signal (p.Tyr644Trpfs*43) in the AXIN2 gene. It is expected to result in an absent or disrupted protein product. Loss-of-function variants in AXIN2 are known to be pathogenic (PMID: 15042511, 21416598). This variant is not present in population databases (gnomAD no frequency). This variant has not been reported in the literature in individuals affected with AXIN2-related conditions. ClinVar contains an entry for this variant (Variation ID: 2039954). For these reasons, this variant has been classified as Pathogenic.

Literature cited by the submitters: PubMed 15042511; PubMed 21416598.

NM_004655.4(AXIN2):c.1929_1935del (p.Tyr644fs)

Gene: AXIN2 (axin 2; minus strand). Cytogenetic location: 17q24.1.
Variant type: Deletion.
Coding change: c.1929_1935del on transcript NM_004655.4 (MANE Select); coding-DNA positions 1929 to 1935, 7 bases deleted (CTACCCC; older notation c.1929_1935delCTACCCC).
Protein change: p.Tyr644fs; shifts the reading frame from tyrosine 644.
Molecular consequence: frameshift variant.
Genome position (GRCh38, 1-based): chr17:65,536,526-65,536,532, GGGGTAG deleted on the plus strand (CTACCCC on the coding strand, the reverse complement: AXIN2 is on the minus strand); deleting any 7 consecutive bases within chr17:65,536,526-65,536,533 gives the same sequence; the c. name uses the placement nearest the transcript's 3' end. VCF-style (leftmost placement, unchanged base first): chr17-65536525-AGGGGTAG-A. GRCh37 (hg19) VCF-style: chr17-63532643-AGGGGTAG-A.
Other names: c.1734_1740del, p.Tyr579fs (NM_001363813.1); short protein forms Y644fs, Y579fs.
Identifiers: ClinVar variation 2039954 (VCV002039954.4), dbSNP rs2509403513, ClinGen allele CA2580094673.